The following is an entry in ClinVar:

NM_005618.4(DLL1):c.1308G>A (p.Ser436=)

Gene: DLL1 (delta like canonical Notch ligand 1; minus strand). Cytogenetic location: 6q27.
Variant type: single nucleotide variant.
Coding change: c.1308G>A on transcript NM_005618.4 (MANE Select); coding-DNA position 1308, G replaced by A.
Protein change: p.Ser436=; no amino-acid change (serine 436 retained).
Molecular consequence: synonymous variant.
Genome position (GRCh38, 1-based): chr6:170,283,971, C>T on the plus strand (G>A on the coding strand, the complement: DLL1 is on the minus strand). VCF-style: chr6-170283971-C-T. GRCh37 (hg19) VCF-style: chr6-170593059-C-T.
Identifiers: ClinVar variation 1695177 (VCV001695177.36), dbSNP rs761854965, ClinGen allele CA4106863.

ClinVar aggregate classification (germline): Likely benign. Review status: criteria provided, multiple submitters, no conflicts (2 of 4 stars). 2 submissions from 2 submitters: Likely benign (2). Last evaluated 2024-04-24.

Allele frequency attached by ClinVar (database versions not stated): TOPMed 0.00004; gnomAD 0.00006.

Submissions (2):

Labcorp Genetics (formerly Invitae), Labcorp
Classification: Likely benign. Last evaluated: 2024-04-24. Review status: criteria provided, single submitter. Criteria: Invitae Variant Classification Sherloc (09022015). Collection method: clinical testing. Allele origin: germline.

CeGaT Center for Human Genetics Tuebingen
Classification: Likely benign. Last evaluated: 2022-04-01. Review status: criteria provided, single submitter. Criteria: CeGaT Center For Human Genetics Tuebingen Variant Classification Criteria Version 2. Collection method: clinical testing. Allele origin: germline. Affected: yes. Observed: 1 variant allele.
Comment: DLL1: BP4, BP7